The following is an entry in ClinVar:

ClinVar aggregate classification (germline): Uncertain significance (1 of 4 stars; one submission).

Conditions:
Bardet-Biedl syndrome (BBS). Identifiers: Orphanet 110, MedGen C0752166, MONDO:0015229.

gnomAD v4.1: 1 of 1,614,190 alleles (0.000062%); highest among the groups gnomAD compares: Non-Finnish European, 0.000085%; no homozygotes.

Submission:

Labcorp Genetics (formerly Invitae), Labcorp
Classification: Uncertain significance for Bardet-Biedl syndrome. Last evaluated: 2022-04-28. Review status: criteria provided, single submitter. Criteria: Invitae Variant Classification Sherloc (09022015). Collection method: clinical testing. Allele origin: germline.
Comment: This sequence change replaces proline, which is neutral and non-polar, with alanine, which is neutral and non-polar, at codon 344 of the BBS12 protein (p.Pro344Ala). This variant is not present in population databases (gnomAD no frequency). This variant has not been reported in the literature in individuals affected with BBS12-related conditions. Algorithms developed to predict the effect of missense changes on protein structure and function output the following: SIFT: "Tolerated"; PolyPhen-2: "Benign"; Align-GVGD: "Class C0". The alanine amino acid residue is found in multiple mammalian species, which suggests that this missense change does not adversely affect protein function. In summary, the available evidence is currently insufficient to determine the role of this variant in disease. Therefore, it has been classified as a Variant of Uncertain Significance.

NM_152618.3(BBS12):c.1030C>G (p.Pro344Ala)

Gene: BBS12 (Bardet-Biedl syndrome 12; plus strand). Cytogenetic location: 4q27.
Variant type: single nucleotide variant.
Coding change: c.1030C>G on transcript NM_152618.3 (MANE Select); coding-DNA position 1030, C replaced by G.
Protein change: p.Pro344Ala; replaces proline 344 with alanine.
Molecular consequence: missense variant.
Genome position (GRCh38, 1-based): chr4:122,742,922, C>G. VCF-style: chr4-122742922-C-G. GRCh37 (hg19) VCF-style: chr4-123664077-C-G.
Other names: c.1030C>G, p.Pro344Ala (NM_001178007.2); short protein forms P344A.
Identifiers: ClinVar variation 2200623 (VCV002200623.1), dbSNP rs1715806829, ClinGen allele CA358224242.
Genomic context (GRCh38, chr4:122,742,922, plus strand): 5'-CCTGAAACTTCTTCTTGTGTTTGTCCAGGATATATCACTGTTGTGTCAGTATCTAATAAT[C>G]CTGTGATCAAGGAATTGCAGAATCAGCCTGTGCGAATAGTTCTCATTGAGGGTGACCTCA-3'
Protein context (NP_689831.2, residues 334-354): YITVVSVSNN[Pro344Ala]VIKELQNQPV